The following is an entry in ClinVar:

NM_000094.4(COL7A1):c.7875+4G>A

Gene: COL7A1 (collagen type VII alpha 1 chain; minus strand). Cytogenetic location: 3p21.31.
Variant type: single nucleotide variant.
Coding change: c.7875+4G>A on transcript NM_000094.4 (MANE Select); 4 bases into the intron after coding-DNA position 7875, G replaced by A.
Molecular consequence: intron variant.
Genome position (GRCh38, 1-based): chr3:48,568,086, C>T on the plus strand (G>A on the coding strand, the complement: COL7A1 is on the minus strand). VCF-style: chr3-48568086-C-T. GRCh37 (hg19) VCF-style: chr3-48605519-C-T.
Identifiers: ClinVar variation 2837971 (VCV002837971.3), dbSNP rs2530829445, ClinGen allele CA2739278434.
Genomic context (GRCh38, chr3:48,568,086, plus strand): 5'-GTCCCTCGCCCTTCAACATTAGGCCTTCCTGACCAGAAAAAAACCAATCTTGTTTCTTTC[C>T]TACCTTGAGGCCCCGGGGACCCATGAAGCCAACATCTCCTTTTTCTCCTCGGATACCAGG-3'

ClinVar aggregate classification (germline): Uncertain significance (1 of 4 stars; one submission).

Submission:

Labcorp Genetics (formerly Invitae), Labcorp
Classification: Uncertain significance. Last evaluated: 2023-03-12. Review status: criteria provided, single submitter. Criteria: Invitae Variant Classification Sherloc (09022015). Collection method: clinical testing. Allele origin: germline.
Comment: In summary, the available evidence is currently insufficient to determine the role of this variant in disease. Therefore, it has been classified as a Variant of Uncertain Significance. This sequence change falls in intron 105 of the COL7A1 gene. It does not directly change the encoded amino acid sequence of the COL7A1 protein. It affects a nucleotide within the consensus splice site. This variant is not present in population databases (gnomAD no frequency). This variant has not been reported in the literature in individuals affected with COL7A1-related conditions. Variants that disrupt the consensus splice site are a relatively common cause of aberrant splicing (PMID: 17576681, 9536098). Algorithms developed to predict the effect of sequence changes on RNA splicing suggest that this variant is not likely to affect RNA splicing.

Literature cited by the submitters: PubMed 17576681; PubMed 9536098.